The following is an entry in ClinVar:

NM_032802.4(SPPL2A):c.274T>C (p.Trp92Arg)

Gene: SPPL2A (signal peptide peptidase like 2A; minus strand). Cytogenetic location: 15q21.2.
Variant type: single nucleotide variant.
Coding change: c.274T>C on transcript NM_032802.4 (MANE Select); coding-DNA position 274, T replaced by C.
Protein change: p.Trp92Arg; replaces tryptophan 92 with arginine.
Molecular consequence: missense variant.
Genome position (GRCh38, 1-based): chr15:50,748,774, A>G on the plus strand (T>C on the coding strand, the complement: SPPL2A is on the minus strand). VCF-style: chr15-50748774-A-G. GRCh37 (hg19) VCF-style: chr15-51040971-A-G.
Other names: short protein forms W92R.
Identifiers: ClinVar variation 1514468 (VCV001514468.8), dbSNP rs1252728564, ClinGen allele CA392414880.
Genomic context (GRCh38, chr15:50,748,774, plus strand): 5'-TTGCTTCAGCACCTCCTTTCTGTGCAATTCTGGCTTTTTCAAGAAAATGGCAGCTTCCCC[A>G]TGGAACCACAACTGCTTTGCTCTTTATGCCAACAGGAGGAATATCAGAAAGGTTGCATAG-3'
Protein context (NP_116191.2, residues 82-102): GIKSKAVVVP[Trp92Arg]GSCHFLEKAR

ClinVar aggregate classification (germline): Uncertain significance (1 of 4 stars; one submission).

Allele frequency attached by ClinVar (database versions not stated): TOPMed below 0.00001; gnomAD 0.00001.
gnomAD v4.1: 1 of 1,612,168 alleles (0.000062%); highest among the groups gnomAD compares: Non-Finnish European, 0.000085%; no homozygotes.

Submission:

Labcorp Genetics (formerly Invitae), Labcorp
Classification: Uncertain significance. Last evaluated: 2022-10-17. Review status: criteria provided, single submitter. Criteria: Invitae Variant Classification Sherloc (09022015). Collection method: clinical testing. Allele origin: germline.
Comment: ClinVar contains an entry for this variant (Variation ID: 1514468). This sequence change replaces tryptophan, which is neutral and slightly polar, with arginine, which is basic and polar, at codon 92 of the SPPL2A protein (p.Trp92Arg). This variant is not present in population databases (gnomAD no frequency). This variant has not been reported in the literature in individuals affected with SPPL2A-related conditions. Algorithms developed to predict the effect of missense changes on protein structure and function (SIFT, PolyPhen-2, Align-GVGD) all suggest that this variant is likely to be tolerated. In summary, the available evidence is currently insufficient to determine the role of this variant in disease. Therefore, it has been classified as a Variant of Uncertain Significance.